The following is an entry in ClinVar:

NM_000540.3(RYR1):c.11812G>C (p.Gly3938Arg)

Gene: RYR1 (ryanodine receptor 1; plus strand). Cytogenetic location: 19q13.2.
Variant type: single nucleotide variant.
Coding change: c.11812G>C on transcript NM_000540.3 (MANE Select); coding-DNA position 11812, G replaced by C.
Protein change: p.Gly3938Arg; replaces glycine 3938 with arginine.
Molecular consequence: missense variant.
Genome position (GRCh38, 1-based): chr19:38,543,565, G>C. VCF-style: chr19-38543565-G-C. GRCh37 (hg19) VCF-style: chr19-39034205-G-C.
Other names: c.11797G>C, p.Gly3933Arg (NM_001042723.2); short protein forms G3933R, G3938R.
Identifiers: ClinVar variation 3072958 (VCV003072958.2), dbSNP rs1478501182, ClinGen allele CA405661799.

ClinVar aggregate classification (germline): Uncertain significance. Review status: criteria provided, multiple submitters, no conflicts (2 of 4 stars). 2 submissions from 2 submitters: Uncertain significance (2). Last evaluated 2023-08-15.

Conditions:
Malignant hyperthermia, susceptibility to, 1 (MHS1). Also called: Anesthesia related hyperthermia; Malignant hyperpyrexia; Fulminating hyperpyrexia; Pharmacogenic myopathy; RYR1-Related Malignant Hyperthermia Susceptibility; Malignant hyperthermia suceptibility 1. Identifiers: Orphanet 423, MedGen C2930980, MONDO:0007783, OMIM 145600.

Allele frequency attached by ClinVar (database versions not stated): gnomAD 0.00001; gnomAD exomes 0.00001; TOPMed 0.00001.
gnomAD v4.1: 12 of 1,614,078 alleles (0.00074%); highest among the groups gnomAD compares: Non-Finnish European, 0.001%; no homozygotes.

Submissions (2):

All of Us Research Program, National Institutes of Health
Classification: Uncertain significance for Malignant hyperthermia, susceptibility to, 1. Last evaluated: 2023-08-15. Review status: criteria provided, single submitter. Criteria: ACMG Guidelines, 2015. Collection method: clinical testing. Allele origin: germline. Inheritance: Autosomal dominant inheritance. Observed: 1 variant allele, 1 heterozygote.
Comment: This missense variant replaces glycine with arginine at codon 3938 of the RYR1 protein. Computational prediction suggests that this variant may have deleterious impact on protein structure and function (internally defined REVEL score threshold >= 0.7, PMID: 27666373). To our knowledge, functional studies have not been reported for this variant. This variant has not been reported in individuals affected with RYR1-related disorders in the literature. This variant has been identified in 1/251432 chromosomes in the general population by the Genome Aggregation Database (gnomAD). The available evidence is insufficient to determine the role of this variant in disease conclusively. Therefore, this variant is classified as a Variant of Uncertain Significance.

This study involves interpretation of variants in research participants for the purpose of population health screening. Participant phenotype was not available at the time of variant classification. Additional details can be found in publication PMID: 35346344, PMCID: PMC8962531

Color Diagnostics, LLC DBA Color Health
Classification: Uncertain significance for Malignant hyperthermia, susceptibility to, 1. Last evaluated: 2023-08-02. Review status: criteria provided, single submitter. Criteria: ACMG Guidelines, 2015. Collection method: clinical testing. Allele origin: germline.
Comment: This missense variant replaces glycine with arginine at codon 3938 of the RYR1 protein. Computational prediction suggests that this variant may have deleterious impact on protein structure and function. To our knowledge, functional studies have not been reported for this variant. This variant has not been reported in individuals affected with RYR1-related disorders in the literature. This variant has been identified in 1/251432 chromosomes in the general population by the Genome Aggregation Database (gnomAD). The available evidence is insufficient to determine the role of this variant in disease conclusively. Therefore, this variant is classified as a Variant of Uncertain Significance.